The following is an entry in ClinVar:

NM_007194.4(CHEK2):c.438T>C (p.Ile146=)

Gene: CHEK2 (checkpoint kinase 2; minus strand). Cytogenetic location: 22q12.1.
Variant type: single nucleotide variant.
Coding change: c.438T>C on transcript NM_007194.4 (MANE Select); coding-DNA position 438, T replaced by C.
Protein change: p.Ile146=; no amino-acid change (isoleucine 146 retained).
Molecular consequence: synonymous variant.
Genome position (GRCh38, 1-based): chr22:28,725,249, A>G on the plus strand (T>C on the coding strand, the complement: CHEK2 is on the minus strand). VCF-style: chr22-28725249-A-G. GRCh37 (hg19) VCF-style: chr22-29121237-A-G.
Other names: c.567T>C, p.Ile189= (NM_001005735.3); c.-340T>C (NM_001257387.3); c.438T>C, p.Ile146= (NM_001349956.3, NM_145862.3).
Identifiers: ClinVar variation 668393 (VCV000668393.3), dbSNP rs1601824974, ClinGen allele CA514168958.

ClinVar aggregate classification (germline): Likely benign. Review status: criteria provided, multiple submitters, no conflicts (2 of 4 stars). 2 submissions from 2 submitters: Likely benign (2). Last evaluated 2021-10-23.

Conditions:
Hereditary cancer-predisposing syndrome. Also called: Tumor predisposition; Hereditary neoplastic syndrome; Neoplastic Syndromes, Hereditary; Hereditary Cancer Syndrome. Identifiers: Orphanet 140162, MedGen C0027672, MeSH D009386, MONDO:0015356.

Submissions (2):

Ambry Genetics
Classification: Likely benign for Hereditary cancer-predisposing syndrome. Last evaluated: 2021-10-23. Review status: criteria provided, single submitter. Criteria: Ambry Variant Classification Scheme 2023. Collection method: clinical testing. Allele origin: germline.

GeneDx
Classification: Likely benign. Last evaluated: 2018-05-10. Review status: criteria provided, single submitter. Criteria: GeneDx Variant Classification (06012015). Collection method: clinical testing. Allele origin: germline. Affected: yes.
Comment: This variant is considered likely benign or benign based on one or more of the following criteria: it is a conservative change, it occurs at a poorly conserved position in the protein, it is predicted to be benign by multiple in silico algorithms, and/or has population frequency not consistent with disease.